The following is an entry in ClinVar:

ClinVar aggregate classification (germline): other (0 of 4 stars; one submission).

Conditions:
Familial colorectal cancer. Identifiers: MedGen CN280943, MONDO:0023113. Disease mechanism: loss of function.

Allele frequency attached by ClinVar (database versions not stated): gnomAD 0.00951 and 0.01045; TOPMed 0.01928; 1000 Genomes Project 30x 0.03232; 1000 Genomes Project 0.03255.
gnomAD v4.1: 1,591 of 152,184 alleles (1%); highest among the groups gnomAD compares: Admixed American, 7.7%; 86 homozygotes.

Submission:

Systems Biology Platform Zhejiang California International NanoSystems Institute
Classification: other for Familial colorectal cancer. Review status: no assertion criteria provided. Collection method: not provided. Allele origin: unknown.
ClinVar note: Converted during submission from cancer to other.

NM_000038.6(APC):c.834+3669A>G

Gene: APC (APC regulator of WNT signaling pathway; plus strand). Cytogenetic location: 5q22.2.
Variant type: single nucleotide variant.
Coding change: c.834+3669A>G on transcript NM_000038.6 (MANE Select); 3669 bases into the intron after coding-DNA position 834, A replaced by G.
Molecular consequence: intron variant.
Genome position (GRCh38, 1-based): chr5:112,805,052, A>G. VCF-style: chr5-112805052-A-G. GRCh37 (hg19) VCF-style: chr5-112140749-A-G.
Other names: c.834+3669A>G (NM_001354895.2, NM_001127510.3, NM_001354896.2 and 1 more transcripts); c.864+3669A>G (NM_001354897.2, NM_001354902.2); c.780+3669A>G (NM_001127511.3); c.759+3669A>G (NM_001354898.2, NM_001354904.2); c.-202+3669A>G (NM_001354906.2); c.750+3669A>G (NM_001354899.2); c.657+3669A>G (NM_001354900.2, NM_001354901.2, NM_001354905.2).
Identifiers: ClinVar variation 83055 (VCV000083055.2), dbSNP rs79381877, ClinGen allele CA014755.